The following is an entry in ClinVar:

NM_020320.5(RARS2):c.259_262dup (p.Val88fs)

Gene: RARS2 (arginyl-tRNA synthetase 2, mitochondrial; minus strand). Cytogenetic location: 6q15.
Variant type: Duplication.
Coding change: c.259_262dup on transcript NM_020320.5 (MANE Select); coding-DNA positions 259 to 262, 4 bases duplicated (ACTG; older notation c.259_262dupACTG).
Protein change: p.Val88fs; shifts the reading frame from valine 88.
Molecular consequence: frameshift variant. On other transcripts: 5 prime UTR variant (7), non-coding transcript variant (23).
Genome position (GRCh38, 1-based): chr6:87,562,737-87,562,740, CAGT duplicated on the plus strand (ACTG on the coding strand, the reverse complement: RARS2 is on the minus strand); duplicating any 4 consecutive bases within chr6:87,562,737-87,562,741 gives the same sequence; the c. name uses the placement nearest the transcript's 3' end. VCF-style (leftmost placement, unchanged base first): chr6-87562736-A-ACAGT. GRCh37 (hg19) VCF-style: chr6-88272454-A-ACAGT.
Other names: c.-211_-208dup (NM_001318785.2, NM_001350509.2); c.259_262dup, p.Val88fs (NM_001350505.2); c.-267_-264dup (NM_001350506.2, NM_001350507.2, NM_001350510.2 and 1 more transcripts); c.-429_-426dup (NM_001350508.2); short protein forms V88fs.
Identifiers: ClinVar variation 1070700 (VCV001070700.21), dbSNP rs1399333767, ClinGen allele CA568706290.

ClinVar aggregate classification (germline): Pathogenic (1 of 4 stars; one submission).

Submission:

Labcorp Genetics (formerly Invitae), Labcorp
Classification: Pathogenic. Last evaluated: 2021-11-08. Review status: criteria provided, single submitter. Criteria: Invitae Variant Classification Sherloc (09022015). Collection method: clinical testing. Allele origin: germline.
Comment: For these reasons, this variant has been classified as Pathogenic. This sequence change creates a premature translational stop signal (p.Val88Aspfs*21) in the RARS2 gene. It is expected to result in an absent or disrupted protein product. Loss-of-function variants in RARS2 are known to be pathogenic (PMID: 17847012, 22569581, 26083569). This variant is present in population databases (no rsID available, gnomAD 0.006%). This variant has not been reported in the literature in individuals affected with RARS2-related conditions. ClinVar contains an entry for this variant (Variation ID: 1070700). Algorithms developed to predict the effect of sequence changes on RNA splicing suggest that this variant may create or strengthen a splice site.

Literature cited by the submitters: PubMed 17847012; PubMed 22569581; PubMed 26083569.